The following is an entry in ClinVar:

ClinVar aggregate classification (germline): Uncertain significance (1 of 4 stars; one submission).

Submission:

Labcorp Genetics (formerly Invitae), Labcorp
Classification: Uncertain significance. Last evaluated: 2025-08-11. Review status: criteria provided, single submitter. Criteria: Invitae Variant Classification Sherloc (09022015). Collection method: clinical testing. Allele origin: germline.
Comment: This sequence change replaces valine, which is neutral and non-polar, with leucine, which is neutral and non-polar, at codon 51 of the IFT88 protein (p.Val51Leu). This variant is not present in population databases (gnomAD no frequency). This variant has not been reported in the literature in individuals affected with IFT88-related conditions. An algorithm developed to predict the effect of missense changes on protein structure and function outputs the following: PolyPhen-2: "Benign". The leucine amino acid residue is found in multiple mammalian species, which suggests that this missense change does not adversely affect protein function. In summary, the available evidence is currently insufficient to determine the role of this variant in disease. Therefore, it has been classified as a Variant of Uncertain Significance.

NM_006531.5(IFT88):c.124G>T (p.Val42Leu)

Gene: IFT88 (intraflagellar transport 88; plus strand). Cytogenetic location: 13q12.11.
Variant type: single nucleotide variant.
Coding change: c.124G>T on transcript NM_006531.5 (MANE Select); coding-DNA position 124, G replaced by T.
Protein change: p.Val42Leu; replaces valine 42 with leucine.
Molecular consequence: missense variant. On other transcripts: 5 prime UTR variant (1), non-coding transcript variant (5).
Genome position (GRCh38, 1-based): chr13:20,582,990, G>T. VCF-style: chr13-20582990-G-T. GRCh37 (hg19) VCF-style: chr13-21157129-G-T.
Other names: c.124G>T, p.Val42Leu (NM_001353575.2, NM_001353578.2, NM_001318491.2 and 5 more transcripts); c.151G>T, p.Val51Leu (NM_001353576.2, NM_001353577.2, NM_175605.5 and 6 more transcripts); c.-440G>T (NM_001353579.2); short protein forms V51L, V42L.
Identifiers: ClinVar variation 4780791 (VCV004780791.1).
Genomic context (GRCh38, chr13:20,582,990, plus strand): 5'-AATGTTAAATTTGCGTTTTCATTTTAGGAATTGGAGAATGATGCAGCTTTTCAGCAAGCT[G>T]TGAGGACTAGTCATGGCAGAAGACCTCCAGTAAGTGAAAAAAATTTTTTTTAAATTGTGG-3'
Protein context (NP_006522.2, residues 32-52): LENDAAFQQA[Val42Leu]RTSHGRRPPI